The following is an entry in ClinVar:

ClinVar aggregate classification (germline): Likely pathogenic (1 of 4 stars; one submission).

Conditions:
Hao-Fountain syndrome due to USP7 mutation. Also called: USP7-Related Hao Fountain Syndrome. Identifiers: Orphanet 643538, MedGen C5816734, MONDO:0958071, OMIM 616863.

Submission:

3billion
Classification: Likely pathogenic for Hao-Fountain syndrome due to USP7 mutation. Last evaluated: 2025-11-27. Review status: criteria provided, single submitter. Criteria: ACMG Guidelines, 2015. Collection method: clinical testing. Allele origin: germline. Affected: yes.
Comment: The variant is not observed in the gnomAD v4.1.0 dataset. Predicted Consequence/Location: Canonical splice site: predicted to alter splicing and result in a loss or disruption of normal protein function. Multiple pathogenic loss-of-function variants are reported downstream of the variant. In silico tools predict the variant to alter splicing and produce an abnormal transcript [SpliceAI: 0.99 (spliceogenicity >=0.2, non-spliceogenicity <0.1)]. Therefore, this variant is classified as Likely pathogenic according to the recommendation of ACMG/AMP guideline.

NM_003470.3(USP7):c.2919+1G>A

Gene: USP7 (ubiquitin specific peptidase 7; minus strand). Cytogenetic location: 16p13.2.
Variant type: single nucleotide variant.
Coding change: c.2919+1G>A on transcript NM_003470.3 (MANE Select); the canonical splice donor site of the intron after coding-DNA position 2919, G replaced by A.
Molecular consequence: splice donor variant.
Genome position (GRCh38, 1-based): chr16:8,895,641, C>T on the plus strand (G>A on the coding strand, the complement: USP7 is on the minus strand). VCF-style: chr16-8895641-C-T. GRCh37 (hg19) VCF-style: chr16-8989498-C-T.
Other names: c.2745+1G>A (NM_001321858.2); c.2871+1G>A (NM_001286457.2); c.2622+1G>A (NM_001286458.2).
Identifiers: ClinVar variation 4855417 (VCV004855417.1).
Genomic context (GRCh38, chr16:8,895,641, plus strand): 5'-AATATGCAGCAGATGGGGCTCATGAATTCTCTCTGGTGCCAACAGTATCGGGGACAGATA[C>T]CTCTATTCGAAACGTCCGGCTCGTTGCAGGAGATAAACATTCTAATAGTTCATCTTCTTG-3'